The following is an entry in ClinVar:

NM_002361.4(MAG):c.1835C>T (p.Thr612Met)

Gene: MAG (myelin associated glycoprotein; plus strand). Cytogenetic location: 19q13.12.
Variant type: single nucleotide variant.
Coding change: c.1835C>T on transcript NM_002361.4 (MANE Select); coding-DNA position 1835, C replaced by T.
Protein change: p.Thr612Met; replaces threonine 612 with methionine.
Molecular consequence: missense variant. On other transcripts: 3 prime UTR variant (1).
Genome position (GRCh38, 1-based): chr19:35,313,408, C>T. VCF-style: chr19-35313408-C-T. GRCh37 (hg19) VCF-style: chr19-35804311-C-T.
Other names: c.1760C>T, p.Thr587Met (NM_001199216.2); c.*131C>T (NM_080600.3); short protein forms T612M, T587M.
Identifiers: ClinVar variation 2053347 (VCV002053347.4), dbSNP rs201203320, ClinGen allele CA9376434.

ClinVar aggregate classification (germline): Uncertain significance (1 of 4 stars; one submission).

Conditions:
Hereditary spastic paraplegia 75. Also called: Spastic paraplegia 75, autosomal recessive. Identifiers: Orphanet 459056, MedGen C4225250, MONDO:0014729, OMIM 616680.

gnomAD v4.1: 36 of 1,613,792 alleles (0.0022%); highest among the groups gnomAD compares: Non-Finnish European, 0.0029%; no homozygotes.

Submission:

Labcorp Genetics (formerly Invitae), Labcorp
Classification: Uncertain significance for Hereditary spastic paraplegia 75. Last evaluated: 2022-03-01. Review status: criteria provided, single submitter. Criteria: Invitae Variant Classification Sherloc (09022015). Collection method: clinical testing. Allele origin: germline.
Comment: Algorithms developed to predict the effect of missense changes on protein structure and function are either unavailable or do not agree on the potential impact of this missense change (SIFT: "Deleterious"; PolyPhen-2: "Probably Damaging"; Align-GVGD: "Class C0"). This variant has not been reported in the literature in individuals affected with MAG-related conditions. This variant is present in population databases (rs201203320, gnomAD 0.005%). This sequence change replaces threonine, which is neutral and polar, with methionine, which is neutral and non-polar, at codon 612 of the MAG protein (p.Thr612Met). In summary, the available evidence is currently insufficient to determine the role of this variant in disease. Therefore, it has been classified as a Variant of Uncertain Significance.